The following is an entry in ClinVar:

ClinVar aggregate classification (germline): Uncertain significance (1 of 4 stars; one submission).

Conditions:
Nemaline myopathy 8 (NEM8). Also called: Nemaline myopathy 8, autosomal recessive. Identifiers: Orphanet 171430, MedGen C3809209, MONDO:0014138, OMIM 615348.

Submission:

Labcorp Genetics (formerly Invitae), Labcorp
Classification: Uncertain significance for Nemaline myopathy 8. Last evaluated: 2023-08-16. Review status: criteria provided, single submitter. Criteria: Invitae Variant Classification Sherloc (09022015). Collection method: clinical testing. Allele origin: germline.
Comment: Advanced modeling of protein sequence and biophysical properties (such as structural, functional, and spatial information, amino acid conservation, physicochemical variation, residue mobility, and thermodynamic stability) performed at Invitae indicates that this missense variant is not expected to disrupt KLHL40 protein function. In summary, the available evidence is currently insufficient to determine the role of this variant in disease. Therefore, it has been classified as a Variant of Uncertain Significance. This variant is not present in population databases (gnomAD no frequency). This variant has not been reported in the literature in individuals affected with KLHL40-related conditions. ClinVar contains an entry for this variant (Variation ID: 1713677). This sequence change replaces serine, which is neutral and polar, with threonine, which is neutral and polar, at codon 525 of the KLHL40 protein (p.Ser525Thr).

NM_152393.4(KLHL40):c.1574G>C (p.Ser525Thr)

Gene: KLHL40 (kelch like family member 40; plus strand). Cytogenetic location: 3p22.1.
Variant type: single nucleotide variant.
Coding change: c.1574G>C on transcript NM_152393.4 (MANE Select); coding-DNA position 1574, G replaced by C.
Protein change: p.Ser525Thr; replaces serine 525 with threonine.
Molecular consequence: missense variant.
Genome position (GRCh38, 1-based): chr3:42,689,021, G>C. VCF-style: chr3-42689021-G-C. GRCh37 (hg19) VCF-style: chr3-42730513-G-C.
Other names: short protein forms S525T.
Identifiers: ClinVar variation 1713677 (VCV001713677.5), dbSNP rs2471312091, ClinGen allele CA352294948.